The following is an entry in ClinVar:

ClinVar aggregate classification (germline): Uncertain significance (1 of 4 stars; one submission).

Submission:

Women's Health and Genetics/Laboratory Corporation of America, LabCorp
Classification: Uncertain significance. Last evaluated: 2025-02-12. Review status: criteria provided, single submitter. Criteria: LabCorp Variant Classification Summary - May 2015. Collection method: clinical testing. Allele origin: germline.
Comment: Variant summary: The variant involves the duplication of exons 1-2 in the GRID2 gene. The exact breakpoint at the 5' end of this variant is unknown, therefore this duplication may extend upstream of the annotated region of this gene. It is predicted to duplicate a segment including the initiation codon, therefore its impact on the encoded protein is unknown. A presumed nomenclature of c.(?_-692)_(244+1_245-1)dup has been designated for the purposes of this classification. The variant was absent in 21694 control chromosomes (gnomAD). The available data on variant occurrences in the general population are insufficient to allow any conclusion about variant significance. To our knowledge, no occurrence of c.(?_-692)_(244+1_245-1)dup in individuals affected with Autosomal Recessive Spinocerebellar Ataxia 18 and no experimental evidence demonstrating its impact on protein function have been reported. ClinVar contains an entry for this variant (Variation ID: 2424193). Based on the evidence outlined above, the variant was classified as uncertain significance.

NC_000004.11:g.(?_93225116)_(93511438_94006145)dup

Gene: GRID2 (glutamate ionotropic receptor delta type subunit 2; plus strand). Cytogenetic location: 4q22.1-22.2.
Variant type: Duplication.
Identifiers: ClinVar variation 3768588 (VCV003768588.1).